The following is an entry in ClinVar:

NM_024675.4(PALB2):c.3272A>G (p.Gln1091Arg)

Gene: PALB2 (partner and localizer of BRCA2; minus strand). Cytogenetic location: 16p12.2.
Variant type: single nucleotide variant.
Coding change: c.3272A>G on transcript NM_024675.4 (MANE Select); coding-DNA position 3272, A replaced by G.
Protein change: p.Gln1091Arg; replaces glutamine 1091 with arginine.
Molecular consequence: missense variant.
Genome position (GRCh38, 1-based): chr16:23,607,942, T>C on the plus strand (A>G on the coding strand, the complement: PALB2 is on the minus strand). VCF-style: chr16-23607942-T-C. GRCh37 (hg19) VCF-style: chr16-23619263-T-C.
Other names: short protein forms Q1091R.
Identifiers: ClinVar variation 823371 (VCV000823371.15), dbSNP rs1597066825, ClinGen allele CA395139657.

ClinVar aggregate classification (germline): Uncertain significance. Review status: criteria provided, multiple submitters, no conflicts (2 of 4 stars). 3 submissions from 3 submitters: Uncertain significance (3). Last evaluated 2025-04-24.

Conditions:
Hereditary cancer-predisposing syndrome. Also called: Tumor predisposition; Hereditary Cancer Syndrome; Neoplastic Syndromes, Hereditary; Hereditary neoplastic syndrome. Identifiers: Orphanet 140162, MedGen C0027672, MeSH D009386, MONDO:0015356.
Familial cancer of breast. Also called: BREAST CANCER, FAMILIAL; Hereditary breast cancer; hereditary breast carcinoma. Identifiers: Orphanet 227535, MedGen C0346153, MONDO:0016419, OMIM 114480. Disease mechanism: loss of function.

Submissions (3):

Labcorp Genetics (formerly Invitae), Labcorp
Classification: Uncertain significance for Familial cancer of breast. Last evaluated: 2025-04-24. Review status: criteria provided, single submitter. Criteria: Invitae Variant Classification Sherloc (09022015). Collection method: clinical testing. Allele origin: germline.
Comment: This sequence change replaces glutamine, which is neutral and polar, with arginine, which is basic and polar, at codon 1091 of the PALB2 protein (p.Gln1091Arg). This variant is not present in population databases (gnomAD no frequency). This missense change has been observed in individual(s) with breast cancer (PMID: 34196900). ClinVar contains an entry for this variant (Variation ID: 823371). An algorithm developed to predict the effect of missense changes on protein structure and function outputs the following: PolyPhen-2: "Benign". The arginine amino acid residue is found in multiple mammalian species, which suggests that this missense change does not adversely affect protein function. In summary, the available evidence is currently insufficient to determine the role of this variant in disease. Therefore, it has been classified as a Variant of Uncertain Significance.

Quest Diagnostics Nichols Institute San Juan Capistrano
Classification: Uncertain significance. Last evaluated: 2025-02-10. Review status: criteria provided, single submitter. Criteria: Quest Diagnostics criteria. Collection method: clinical testing. Allele origin: unknown.
Comment: The PALB2 c.3272A>G (p.Gln1091Arg) variant has been reported in the published literature in an individual with breast cancer (PMID: 34196900 (2021)). This variant has not been reported in large, multi-ethnic general populations (Genome Aggregation Database). Analysis of this variant using bioinformatics tools for the prediction of the effect of amino acid changes on protein structure and function yielded conflicting predictions that this variant is benign or damaging. Based on the available information, we are unable to determine the clinical significance of this variant.

Ambry Genetics
Classification: Uncertain significance for Hereditary cancer-predisposing syndrome. Last evaluated: 2023-07-07. Review status: criteria provided, single submitter. Criteria: Ambry Variant Classification Scheme 2023. Collection method: clinical testing. Allele origin: germline.
Comment: The p.Q1091R variant (also known as c.3272A>G), located in coding exon 12 of the PALB2 gene, results from an A to G substitution at nucleotide position 3272. The glutamine at codon 1091 is replaced by arginine, an amino acid with highly similar properties. This amino acid position is well conserved in available vertebrate species; however, arginine is the reference amino acid in other vertebrate species. In addition, this alteration is predicted to be tolerated by in silico analysis. Since supporting evidence is limited at this time, the clinical significance of this alteration remains unclear.

Literature cited by the submitters: PubMed 34196900 (cited by Labcorp Genetics (formerly Invitae), Labcorp and Quest Diagnostics Nichols Institute San Juan Capistrano).